The following is an entry in ClinVar:

NM_001083962.2(TCF4):c.790-2A>G

Genes: TCF4 (transcription factor 4; minus strand), LOC126862757 (CDK7 strongly-dependent group 2 enhancer GRCh37_chr18:52936433-52937632; plus strand). Cytogenetic location: 18q21.2.
Variant type: single nucleotide variant.
Coding change: c.790-2A>G on transcript NM_001083962.2 (MANE Select); the canonical splice acceptor site of the intron before coding-DNA position 790, A replaced by G.
Molecular consequence: splice acceptor variant.
Genome position (GRCh38, 1-based): chr18:55,269,965, T>C on the plus strand (A>G on the coding strand, the complement: TCF4 is on the minus strand). VCF-style: chr18-55269965-T-C. GRCh37 (hg19) VCF-style: chr18-52937196-T-C.
Other names: c.1096-2A>G (NM_001243226.3); c.715-2A>G (NM_001369584.1, NM_001369576.1, NM_001369585.1 and 3 more transcripts); c.718-2A>G (NM_001369577.1, NM_001369582.1, NM_001243227.2 and 9 more transcripts); c.790-2A>G (NM_001369571.1, NM_001369567.1, NM_001369572.1 and 4 more transcripts); c.808-2A>G (NM_001243228.2); c.784-2A>G (NM_001243230.2); c.787-2A>G (NM_001369569.1, NM_001369573.1, NM_001369570.1); c.664-2A>G (NM_001243231.2, NM_001348211.2); and 4 more.
Identifiers: ClinVar variation 803496 (VCV000803496.2), dbSNP rs1600866162, ClinGen allele CA402701377.
Genomic context (GRCh38, chr18:55,269,965, plus strand): 5'-AAAGTGGACATCGGAGGAAGACTGGAATTGATGTCTGCTGAGGAGTGTGATGGATAGCTC[T>C]ATAGCAAGAAGCAGAAAAAGGTGGCCATATTTAATCATAAGGTATTTAGTGAGTTATTTT-3'

ClinVar aggregate classification (germline): Pathogenic. Review status: criteria provided, multiple submitters, no conflicts (2 of 4 stars). 2 submissions from 2 submitters: Pathogenic (2). Last evaluated 2024-03-07.

Conditions:
Pitt-Hopkins syndrome (PTHS). Also called: MENTAL RETARDATION, SYNDROMAL, WITH INTERMITTENT HYPERVENTILATION; ENCEPHALOPATHY, SEVERE EPILEPTIC, WITH AUTONOMIC DYSFUNCTION. Identifiers: Orphanet 2896, MedGen C1970431, MONDO:0012589, OMIM 610954.

Submissions (2):

3billion
Classification: Pathogenic for Pitt-Hopkins syndrome. Last evaluated: 2024-03-07. Review status: criteria provided, single submitter. Criteria: ACMG Guidelines, 2015. Collection method: clinical testing. Allele origin: germline. Affected: yes.
Comment: The variant is not observed in the gnomAD v2.1.1 dataset. Predicted Consequence/Location: Canonical splice site: predicted to alter splicing and result in a loss or disruption of normal protein function. Multiple pathogenic loss-of-function variants are reported downstream of the variant. The variant has been reported to be associated with TCF4 related disorder (ClinVar ID: VCV000803496). Therefore, this variant is classified as Pathogenic according to the recommendation of ACMG/AMP guideline.

Mendelics
Classification: Pathogenic for Pitt-Hopkins syndrome. Last evaluated: 2019-05-28. Review status: criteria provided, single submitter. Criteria: Mendelics Assertion Criteria 2017. Collection method: clinical testing. Allele origin: unknown.